The following is an entry in ClinVar:

NM_000135.4(FANCA):c.962G>C (p.Ser321Thr)

Gene: FANCA (FA complementation group A; minus strand). Cytogenetic location: 16q24.3.
Variant type: single nucleotide variant.
Coding change: c.962G>C on transcript NM_000135.4 (MANE Select); coding-DNA position 962, G replaced by C.
Protein change: p.Ser321Thr; replaces serine 321 with threonine.
Molecular consequence: missense variant.
Genome position (GRCh38, 1-based): chr16:89,795,950, C>G on the plus strand (G>C on the coding strand, the complement: FANCA is on the minus strand). VCF-style: chr16-89795950-C-G. GRCh37 (hg19) VCF-style: chr16-89862358-C-G.
Other names: c.962G>C, p.Ser321Thr (NM_001286167.3); short protein forms S321T.
Identifiers: ClinVar variation 5036419 (VCV005036419.1).
Genomic context (GRCh38, chr16:89,795,950, plus strand): 5'-TCCACACTGGGCCTACCTTTCAGCACAGGGCTGTGAGTGAGTATCTGAGTCAGGGTATGA[C>G]TGAAGAACCTCTTCAGAGGATCTGTGGAAATTACACTGCCAAGCGTGTGTCCACTGAACA-3'
Protein context (NP_000126.2, residues 311-331): ISTDPLKRFF[Ser321Thr]HTLTQILTHS

ClinVar aggregate classification (germline): Uncertain significance (1 of 4 stars; one submission).

Conditions:
Inborn genetic diseases. Identifiers: MedGen C0950123, MeSH D030342.

Submission:

Ambry Genetics
Classification: Uncertain significance for Inborn genetic diseases. Last evaluated: 2026-08-18. Review status: criteria provided, single submitter. Criteria: Ambry Variant Classification Scheme 2023. Collection method: clinical testing. Allele origin: germline.
Comment: The p.S321T variant (also known as c.962G>C), located in coding exon 11 of the FANCA gene, results from a G to C substitution at nucleotide position 962. The serine at codon 321 is replaced by threonine, an amino acid with similar properties. This amino acid position is conserved. In addition, this alteration is predicted to be tolerated by in silico analysis. Based on the available evidence, the clinical significance of this variant remains unclear.